The following is an entry in ClinVar:

NM_006031.6(PCNT):c.9701-2A>T

Gene: PCNT (pericentrin; plus strand). Cytogenetic location: 21q22.3.
Variant type: single nucleotide variant.
Coding change: c.9701-2A>T on transcript NM_006031.6 (MANE Select); the canonical splice acceptor site of the intron before coding-DNA position 9701, A replaced by T.
Molecular consequence: splice acceptor variant.
Genome position (GRCh38, 1-based): chr21:46,443,808, A>T. VCF-style: chr21-46443808-A-T. GRCh37 (hg19) VCF-style: chr21-47863721-A-T.
Other names: c.9110-2A>T (NM_001315529.2); c.9701-2A>T (NM_006031.5).
Identifiers: ClinVar variation 3020410 (VCV003020410.4), dbSNP rs778234498, ClinGen allele CA10081442.

ClinVar aggregate classification (germline): Likely pathogenic. Review status: criteria provided, single submitter (1 of 4 stars). 2 submissions from 2 submitters: Likely pathogenic (1). 1 of the submissions does not count toward it. Last evaluated 2025-07-30.

Conditions:
PCNT-related disorder. Also called: PCNT-related condition.

Allele frequency attached by ClinVar (database versions not stated): ExAC 0.00002.
gnomAD v4.1: 12 of 1,611,324 alleles (0.00074%); highest among the groups gnomAD compares: African/African-American, 0.015%; no homozygotes.

Submissions (2):

Labcorp Genetics (formerly Invitae), Labcorp
Classification: Likely pathogenic. Last evaluated: 2025-07-30. Review status: criteria provided, single submitter. Criteria: Invitae Variant Classification Sherloc (09022015). Collection method: clinical testing. Allele origin: germline.
Comment: This sequence change affects an acceptor splice site in intron 44 of the PCNT gene. It is expected to disrupt RNA splicing. Variants that disrupt the donor or acceptor splice site typically lead to a loss of protein function (PMID: 16199547), and loss-of-function variants in PCNT are known to be pathogenic (PMID: 18174396, 22821869). This variant is present in population databases (rs778234498, gnomAD 0.02%). This variant has not been reported in the literature in individuals affected with PCNT-related conditions. ClinVar contains an entry for this variant (Variation ID: 3020410). Algorithms developed to predict the effect of sequence changes on RNA splicing suggest that this variant may disrupt the consensus splice site. In summary, the currently available evidence indicates that the variant is pathogenic, but additional data are needed to prove that conclusively. Therefore, this variant has been classified as Likely Pathogenic.

PreventionGenetics, part of Exact Sciences
Classification: Uncertain significance for PCNT-related condition. Last evaluated: 2024-04-14. Review status: no assertion criteria provided. Collection method: clinical testing. Allele origin: germline. Not counted in ClinVar's aggregate classification.
Comment: The PCNT c.9701-2A>T variant is predicted to disrupt the AG splice acceptor site and interfere with normal splicing. To our knowledge, this variant has not been reported in the literature. This variant is reported in 0.016% of alleles in individuals of African descent in gnomAD. Although splicing variants in PCNT are expected to be pathogenic, none affecting this splice site or downstream splice sites have been documented in literature. Although we suspect that this variant may be pathogenic, at this time, the clinical significance of this variant is uncertain due to the absence of conclusive functional and genetic evidence.

Literature cited by the submitters: PubMed 16199547 (cited by Labcorp Genetics (formerly Invitae), Labcorp); PubMed 18174396 (cited by Labcorp Genetics (formerly Invitae), Labcorp); PubMed 22821869 (cited by Labcorp Genetics (formerly Invitae), Labcorp).